The following is an entry in ClinVar:

ClinVar aggregate classification (germline): Uncertain significance (1 of 4 stars; one submission).

Submission:

GeneDx
Classification: Uncertain significance. Last evaluated: 2023-11-15. Review status: criteria provided, single submitter. Criteria: GeneDx Variant Classification Process June 2021. Collection method: clinical testing. Allele origin: germline. Affected: yes.
Comment: Not observed at significant frequency in large population cohorts (gnomAD); In silico analysis supports that this missense variant has a deleterious effect on protein structure/function; Has not been previously published as pathogenic or benign to our knowledge

NM_052989.3(IFT122):c.2272G>A (p.Ala758Thr)

Gene: IFT122 (intraflagellar transport 122; plus strand). Cytogenetic location: 3q21.3.
Variant type: single nucleotide variant.
Coding change: c.2272G>A on transcript NM_052989.3 (MANE Select); coding-DNA position 2272, G replaced by A.
Protein change: p.Ala758Thr; replaces alanine 758 with threonine.
Molecular consequence: missense variant.
Genome position (GRCh38, 1-based): chr3:129,499,965, G>A. VCF-style: chr3-129499965-G-A. GRCh37 (hg19) VCF-style: chr3-129218808-G-A.
Other names: c.2248G>A, p.Ala750Thr (NM_001280541.2); c.1822G>A, p.Ala608Thr (NM_001280545.2); c.1645G>A, p.Ala549Thr (NM_001280546.2); c.2272G>A, p.Ala758Thr (NM_001410808.1); c.2218G>A, p.Ala740Thr (NM_001410809.1); c.2095G>A, p.Ala699Thr (NM_001410810.1, NM_018262.4); c.2041G>A, p.Ala681Thr (NM_001410811.1, NM_001410813.1); c.1939G>A, p.Ala647Thr (NM_001410815.1, NM_052990.3); and 2 more; short protein forms A549T, A608T, A629T, A647T, A681T, A699T, A740T, A750T.
Identifiers: ClinVar variation 3364000 (VCV003364000.1).
Genomic context (GRCh38, chr3:129,499,965, plus strand): 5'-TTCCTTGGATCTGGAGACCCCAAAGAAACAAAGATGCTAATCACCAAACAGGCTGACTGG[G>A]CCAGAAATATCAAGGAGCCCAAAGCCGCCGTGGAGATGTACATCTCAGCAGGAGAGCACG-3'
Protein context (NP_443715.1, residues 748-768): KMLITKQADW[Ala758Thr]RNIKEPKAAV